The following is an entry in ClinVar:

NM_004415.4(DSP):c.7589T>C (p.Ile2530Thr)

Gene: DSP (desmoplakin; plus strand). Cytogenetic location: 6p24.3.
Variant type: single nucleotide variant.
Coding change: c.7589T>C on transcript NM_004415.4 (MANE Select); coding-DNA position 7589, T replaced by C.
Protein change: p.Ile2530Thr; replaces isoleucine 2530 with threonine.
Molecular consequence: missense variant.
Genome position (GRCh38, 1-based): chr6:7,584,851, T>C. VCF-style: chr6-7584851-T-C. GRCh37 (hg19) VCF-style: chr6-7585084-T-C.
Other names: c.5792T>C, p.Ile1931Thr (NM_001008844.3); c.6260T>C, p.Ile2087Thr (NM_001319034.2); c.7589T>C (NM_004415.3); short protein forms I1931T, I2087T, I2530T.
Identifiers: ClinVar variation 860821 (VCV000860821.20), dbSNP rs768564872, ClinGen allele CA050189.
Genomic context (GRCh38, chr6:7,584,851, plus strand): 5'-GATCAGATGGCTCCACCAGGGTGGTCCTGGTAGATAGAAAGACAGGCAGTCAGTATGATA[T>C]TCAAGATGCTATTGACAAGGGCCTTGTTGACAGGAAGTTCTTTGATCAGTACCGATCCGG-3'
Protein context (NP_004406.2, residues 2520-2540): VDRKTGSQYD[Ile2530Thr]QDAIDKGLVD

ClinVar aggregate classification (germline): Conflicting classifications of pathogenicity. Review status: criteria provided, conflicting classifications (1 of 4 stars). 6 submissions from 6 submitters: Uncertain significance (5); Likely benign (1). Last evaluated 2025-10-07.

Conditions:
Arrhythmogenic cardiomyopathy with wooly hair and keratoderma. Also called: Carvajal syndrome; PALMOPLANTAR KERATODERMA WITH LEFT VENTRICULAR CARDIOMYOPATHY AND WOOLLY HAIR; Dilated cardiomyopathy with woolly hair and keratoderma; Arrhythmogenic cardiomyopathy with woolly hair and keratoderma. Identifiers: Orphanet 65282, MedGen C1854063, MONDO:0011581, OMIM 605676.
Arrhythmogenic right ventricular dysplasia 8 (ARVD8). Also called: ARRHYTHMOGENIC RIGHT VENTRICULAR DYSPLASIA, FAMILIAL, 8; Arrhythmogenic Right Ventricular Dysplasia/Cardiomyopathy 8; ARRHYTHMOGENIC RIGHT VENTRICULAR CARDIOMYOPATHY 8. Identifiers: MedGen C1843896, MONDO:0011831, OMIM 607450.
Cardiomyopathy (CMYO). Also called: Cardiomyopathies. Identifiers: Orphanet 167848, MedGen C0878544, MONDO:0004994, HP:0001638. Inheritance: Various modes of inheritance.
Cardiovascular phenotype. Identifiers: MedGen CN230736.

Allele frequency attached by ClinVar (database versions not stated): gnomAD below 0.00001 and 0.00001; gnomAD exomes 0.00003; ExAC 0.00004.
gnomAD v4.1: 15 of 1,614,076 alleles (0.00093%); highest among the groups gnomAD compares: South Asian, 0.015%; no homozygotes.

Submissions (6):

Labcorp Genetics (formerly Invitae), Labcorp
Classification: Likely benign for Arrhythmogenic cardiomyopathy with wooly hair and keratoderma; Arrhythmogenic right ventricular dysplasia 8. Last evaluated: 2025-10-07. Review status: criteria provided, single submitter. Criteria: Invitae Variant Classification Sherloc (09022015). Collection method: clinical testing. Allele origin: germline.

Ambry Genetics
Classification: Uncertain significance for Cardiovascular phenotype. Last evaluated: 2025-04-02. Review status: criteria provided, single submitter. Criteria: Ambry Variant Classification Scheme 2023. Collection method: clinical testing. Allele origin: germline.
Comment: The p.I2530T variant (also known as c.7589T>C), located in coding exon 24 of the DSP gene, results from a T to C substitution at nucleotide position 7589. The isoleucine at codon 2530 is replaced by threonine, an amino acid with similar properties. This amino acid position is well conserved in available vertebrate species. In addition, this alteration is predicted to be deleterious by in silico analysis. Since supporting evidence is limited at this time, the clinical significance of this alteration remains unclear.

Molecular Diagnostic Laboratory for Inherited Cardiovascular Disease, Montreal Heart Institute
Classification: Uncertain significance for Cardiovascular phenotype. Last evaluated: 2025-02-17. Review status: criteria provided, single submitter. Criteria: ACMG Guidelines, 2015. Collection method: clinical testing. Allele origin: germline. Affected: yes.

All of Us Research Program, National Institutes of Health
Classification: Uncertain significance for Arrhythmogenic cardiomyopathy with wooly hair and keratoderma. Last evaluated: 2024-05-14. Review status: criteria provided, single submitter. Criteria: ACMG Guidelines, 2015. Collection method: clinical testing. Allele origin: germline. Inheritance: Autosomal dominant inheritance. Observed: 1 variant allele, 1 heterozygote.
Comment: This missense variant replaces isoleucine with threonine at codon 2530 of the DSP protein. Computational prediction suggests that this variant may have deleterious impact on protein structure and function (internally defined REVEL score threshold >= 0.7, PMID: 27666373). To our knowledge, functional studies have not been reported for this variant. This variant has not been reported in individuals affected with DSP-related disorders in the literature. This variant has been identified in 7/251492 chromosomes in the general population by the Genome Aggregation Database (gnomAD). The available evidence is insufficient to determine the role of this variant in disease conclusively. Therefore, this variant is classified as a Variant of Uncertain Significance.

This study involves interpretation of variants in research participants for the purpose of population health screening. Participant phenotype was not available at the time of variant classification. Additional details can be found in publication PMID: 35346344, PMCID: PMC8962531

Color Diagnostics, LLC DBA Color Health
Classification: Uncertain significance for Cardiomyopathy. Last evaluated: 2024-05-03. Review status: criteria provided, single submitter. Criteria: ACMG Guidelines, 2015. Collection method: clinical testing. Allele origin: germline.
Comment: This missense variant replaces isoleucine with threonine at codon 2530 of the DSP protein. Computational prediction suggests that this variant may have deleterious impact on protein structure and function (internally defined REVEL score threshold >= 0.7, PMID: 27666373). To our knowledge, functional studies have not been reported for this variant. This variant has not been reported in individuals affected with DSP-related disorders in the literature. This variant has been identified in 7/251492 chromosomes in the general population by the Genome Aggregation Database (gnomAD). The available evidence is insufficient to determine the role of this variant in disease conclusively. Therefore, this variant is classified as a Variant of Uncertain Significance.

CHEO Genetics Diagnostic Laboratory, Children's Hospital of Eastern Ontario
Classification: Uncertain significance for Cardiomyopathy. Last evaluated: 2018-03-14. Review status: criteria provided, single submitter. Criteria: ACMG Guidelines, 2015. Collection method: clinical testing. Allele origin: germline.